The following is an entry in ClinVar:

ClinVar aggregate classification (germline): Likely benign (1 of 4 stars; one submission).

gnomAD v4.1: 118 of 1,614,218 alleles (0.0073%); highest among the groups gnomAD compares: South Asian, 0.12%; no homozygotes.

Submission:

CeGaT Center for Human Genetics Tuebingen
Classification: Likely benign. Last evaluated: 2025-08-01. Review status: criteria provided, single submitter. Criteria: CeGaT Center For Human Genetics Tuebingen Variant Classification Criteria Version 2. Collection method: clinical testing. Allele origin: germline. Affected: yes. Observed: 1 variant allele.
Comment: EP400: BP4

NM_015409.5(EP400):c.6630+8C>T

Gene: EP400 (E1A binding protein p400; plus strand). Cytogenetic location: 12q24.33.
Variant type: single nucleotide variant.
Coding change: c.6630+8C>T on transcript NM_015409.5 (MANE Select); 8 bases into the intron after coding-DNA position 6630, C replaced by T.
Molecular consequence: intron variant.
Genome position (GRCh38, 1-based): chr12:132,044,723, C>T. VCF-style: chr12-132044723-C-T. GRCh37 (hg19) VCF-style: chr12-132529268-C-T.
Identifiers: ClinVar variation 4084583 (VCV004084583.8).